The following is an entry in ClinVar:

NM_001378120.1(MBD5):c.1382G>A (p.Arg461His)

Gene: MBD5 (methyl-CpG binding domain protein 5; plus strand). Cytogenetic location: 2q23.1.
Variant type: single nucleotide variant.
Coding change: c.1382G>A on transcript NM_001378120.1 (MANE Select); coding-DNA position 1382, G replaced by A.
Protein change: p.Arg461His; replaces arginine 461 with histidine.
Molecular consequence: missense variant.
Genome position (GRCh38, 1-based): chr2:148,469,325, G>A. VCF-style: chr2-148469325-G-A. GRCh37 (hg19) VCF-style: chr2-149226894-G-A.
Other names: p.R461H:CGC>CAC; c.1382G>A, p.Arg461His (NM_018328.5); short protein forms R461H.
Identifiers: ClinVar variation 206112 (VCV000206112.51), dbSNP rs139964770, ClinGen allele CA315879.

ClinVar aggregate classification (germline): Conflicting classifications of pathogenicity. Review status: criteria provided, conflicting classifications (1 of 4 stars). 7 submissions from 7 submitters: Uncertain significance (1); Benign (2); Likely benign (3). 1 of the submissions does not count toward it. Last evaluated 2026-09-01.

Conditions:
MBD5-related disorder. Also called: MBD5-related condition.
Inborn genetic diseases. Identifiers: MedGen C0950123, MeSH D030342.
Intellectual developmental disorder, autosomal dominant 1. Also called: Intellectual disability, autosomal dominant 1; MBD5 Haploinsufficiency. Identifiers: Orphanet 228402, MedGen C1969562, MONDO:0007974, OMIM 156200.

Allele frequency attached by ClinVar (database versions not stated): TOPMed 0.00023; ESP Exome Variant Server 0.00038; ExAC 0.00039; gnomAD exomes 0.00039; gnomAD 0.00040 and 0.00042.
gnomAD v4.1: 574 of 1,613,554 alleles (0.036%); highest among the groups gnomAD compares: Non-Finnish European, 0.046%; 1 homozygote.

Submissions (7):

CeGaT Center for Human Genetics Tuebingen
Classification: Likely benign. Last evaluated: 2026-09-01. Review status: criteria provided, single submitter. Criteria: CeGaT Center For Human Genetics Tuebingen Variant Classification Criteria Version 2. Collection method: clinical testing. Allele origin: germline. Affected: yes. Observed: 18 variant alleles.
Comment: MBD5: BS2

Labcorp Genetics (formerly Invitae), Labcorp
Classification: Likely benign for Intellectual developmental disorder, autosomal dominant 1. Last evaluated: 2025-11-12. Review status: criteria provided, single submitter. Criteria: Invitae Variant Classification Sherloc (09022015). Collection method: clinical testing. Allele origin: germline.

Blueprint Genetics
Classification: Likely benign. Last evaluated: 2024-11-21. Review status: criteria provided, single submitter. Criteria: ACMG Guidelines, 2015. Collection method: clinical testing. Allele origin: germline.

Ambry Genetics
Classification: Benign for Inborn genetic diseases. Last evaluated: 2022-03-14. Review status: criteria provided, single submitter. Criteria: Ambry Variant Classification Scheme 2023. Collection method: clinical testing. Allele origin: germline.

GeneDx
Classification: Benign. Last evaluated: 2020-09-30. Review status: criteria provided, single submitter. Criteria: GeneDx Variant Classification Process June 2021. Collection method: clinical testing. Allele origin: germline. Affected: yes.
Comment: This variant is associated with the following publications: (PMID: 17847001, 28802771)

SIB Swiss Institute of Bioinformatics
Classification: Uncertain significance for Intellectual developmental disorder, autosomal dominant 1. Last evaluated: 2018-10-15. Review status: criteria provided, single submitter. Criteria: ACMG Guidelines, 2015. Collection method: curation. Allele origin: unknown.
Comment: This variant is interpreted as Uncertain Significance - Insufficient Evidence, for Mental retardation, autosomal dominant 1, autosomal dominant. The following ACMG Tag(s) were applied: BS2-Supporting => BS2 downgraded in strength to supporting.

PreventionGenetics, part of Exact Sciences
Classification: Likely benign for MBD5-related condition. Last evaluated: 2022-12-21. Review status: no assertion criteria provided. Collection method: clinical testing. Allele origin: germline. Not counted in ClinVar's aggregate classification.
Comment: This variant is classified as likely benign based on ACMG/AMP sequence variant interpretation guidelines (Richards et al. 2015 PMID: 25741868, with internal and published modifications).